The following is an entry in ClinVar:

NM_001370298.3(FGD4):c.2259A>C (p.Gln753His)

Gene: FGD4 (FYVE, RhoGEF and PH domain containing 4; plus strand). Cytogenetic location: 12p11.21.
Variant type: single nucleotide variant.
Coding change: c.2259A>C on transcript NM_001370298.3 (MANE Select); coding-DNA position 2259, A replaced by C.
Protein change: p.Gln753His; replaces glutamine 753 with histidine.
Molecular consequence: missense variant.
Genome position (GRCh38, 1-based): chr12:32,633,635, A>C. VCF-style: chr12-32633635-A-C. GRCh37 (hg19) VCF-style: chr12-32786569-A-C.
Other names: c.2103A>C, p.Gln701His (NM_001304481.2); c.1104A>C, p.Gln368His (NM_001304483.2); c.816A>C, p.Gln272His (NM_001304484.2); c.1569A>C, p.Gln523His (NM_001330373.2, NM_001330374.2, NM_001384130.1); c.1296A>C, p.Gln432His (NM_001370297.1); c.2259A>C, p.Gln753His (NM_001384126.1); c.1848A>C, p.Gln616His (NM_001384127.1, NM_001384128.1, NM_001385118.1 and 1 more transcripts); short protein forms Q523H, Q616H, Q272H, Q432H, Q753H, Q368H, Q701H.
Identifiers: ClinVar variation 2093795 (VCV002093795.4), dbSNP rs754580302, ClinGen allele CA6507026.
Genomic context (GRCh38, chr12:32,633,635, plus strand): 5'-CAAAGCTCAACTTGAATATGATGGTGGTAAATTGAGCAAAGTTTGTAAAGACTGTTATCA[A>C]ATCATAAGTGGATTCACAGACAGTGAAGAAAAGAAAAGAAAAGGAATTTTAGAGGTAAGA-3'
Protein context (NP_001357227.2, residues 743-763): KLSKVCKDCY[Gln753His]IISGFTDSEE

ClinVar aggregate classification (germline): Uncertain significance (1 of 4 stars; one submission).

Conditions:
Charcot-Marie-Tooth disease type 4. Also called: Charcot-Marie-Tooth disease, type IV; Charcot-Marie-Tooth, Type 4. Identifiers: Orphanet 64749, MedGen C4082197, MONDO:0018995.

Allele frequency attached by ClinVar (database versions not stated): ExAC 0.00002.
gnomAD v4.1: 3 of 1,611,650 alleles (0.00019%); highest among the groups gnomAD compares: South Asian, 0.0022%; no homozygotes.

Submission:

Labcorp Genetics (formerly Invitae), Labcorp
Classification: Uncertain significance for Charcot-Marie-Tooth disease type 4. Last evaluated: 2022-02-06. Review status: criteria provided, single submitter. Criteria: Invitae Variant Classification Sherloc (09022015). Collection method: clinical testing. Allele origin: germline.
Comment: This sequence change replaces glutamine, which is neutral and polar, with histidine, which is basic and polar, at codon 616 of the FGD4 protein (p.Gln616His). This variant is present in population databases (rs754580302, gnomAD 0.006%). This variant has not been reported in the literature in individuals affected with FGD4-related conditions. Algorithms developed to predict the effect of missense changes on protein structure and function output the following: SIFT: "Tolerated"; PolyPhen-2: "Benign"; Align-GVGD: "Class C0". The histidine amino acid residue is found in multiple mammalian species, which suggests that this missense change does not adversely affect protein function. In summary, the available evidence is currently insufficient to determine the role of this variant in disease. Therefore, it has been classified as a Variant of Uncertain Significance.